The following is an entry in ClinVar:

ClinVar aggregate classification (germline): Likely benign (0 of 4 stars; one submission).

Conditions:
EPHB2-related disorder. Also called: EPHB2-related condition.

gnomAD v4.1: 646 of 1,614,196 alleles (0.04%); highest among the groups gnomAD compares: African/African-American, 0.61%; 1 homozygote.

Submission:

PreventionGenetics, part of Exact Sciences
Classification: Likely benign for EPHB2-related condition. Last evaluated: 2024-03-29. Review status: no assertion criteria provided. Collection method: clinical testing. Allele origin: germline.
Comment: This variant is classified as likely benign based on ACMG/AMP sequence variant interpretation guidelines (Richards et al. 2015 PMID: 25741868, with internal and published modifications).

NM_017449.5(EPHB2):c.1536C>T (p.Thr512=)

Gene: EPHB2 (EPH receptor B2; plus strand). Cytogenetic location: 1p36.12.
Variant type: single nucleotide variant.
Coding change: c.1536C>T on transcript NM_017449.5 (MANE Select); coding-DNA position 1536, C replaced by T.
Protein change: p.Thr512=; no amino-acid change (threonine 512 retained).
Molecular consequence: synonymous variant.
Genome position (GRCh38, 1-based): chr1:22,892,991, C>T. VCF-style: chr1-22892991-C-T. GRCh37 (hg19) VCF-style: chr1-23219484-C-T.
Other names: c.1536C>T, p.Thr512= (NM_001309192.2, NM_001309193.2, NM_004442.7).
Identifiers: ClinVar variation 3344495 (VCV003344495.1).